The following is an entry in ClinVar:

ClinVar aggregate classification (germline): Conflicting classifications of pathogenicity. Review status: criteria provided, conflicting classifications (1 of 4 stars). 4 submissions from 4 submitters: Uncertain significance (1); Likely benign (3). Last evaluated 2026-01-28.

Conditions:
Developmental and epileptic encephalopathy, 36 (DEE36). Also called: ALG13-CDG; Congenital disorder of glycosylation, type Is; Epileptic encephalopathy, early infantile, 36. Identifiers: Orphanet 324422, MedGen C4317295, MONDO:0010472, OMIM 300884.

Allele frequency attached by ClinVar (database versions not stated): gnomAD exomes 0.00001 and 0.00002; ExAC 0.00002; TOPMed 0.00002; gnomAD 0.00006 and 0.00007.
gnomAD v4.1: 15 of 1,208,979 alleles (0.0012%); highest among the groups gnomAD compares: Admixed American, 0.015%; no homozygotes.

Submissions (4):

Women's Health and Genetics/Laboratory Corporation of America, LabCorp
Classification: Uncertain significance. Last evaluated: 2026-01-28. Review status: criteria provided, single submitter. Criteria: LabCorp Variant Classification Summary - May 2015. Collection method: clinical testing. Allele origin: germline.
Comment: Variant summary: ALG13 c.1813G>A (p.Gly605Ser) results in a non-conservative amino acid change in the encoded protein sequence. Algorithms developed to predict the effect of missense changes on protein structure and function are either unavailable or do not agree on the potential impact of this missense change. The variant allele was found at a frequency of 2.2e-05 in 179185 control chromosomes. The available data on variant occurrences in the general population are insufficient to allow any conclusion about variant significance. To our knowledge, no occurrence of c.1813G>A in individuals affected with ALG13-related conditions and no experimental evidence demonstrating its impact on protein function have been reported. ClinVar contains an entry for this variant (Variation ID: 384926). Based on the evidence outlined above, the variant was classified as uncertain significance.

Labcorp Genetics (formerly Invitae), Labcorp
Classification: Likely benign for Developmental and epileptic encephalopathy, 36. Last evaluated: 2025-12-21. Review status: criteria provided, single submitter. Criteria: Invitae Variant Classification Sherloc (09022015). Collection method: clinical testing. Allele origin: germline.

Blueprint Genetics
Classification: Likely benign. Last evaluated: 2024-03-04. Review status: criteria provided, single submitter. Criteria: ACMG Guidelines, 2015. Collection method: clinical testing. Allele origin: germline.

GeneDx
Classification: Likely benign. Last evaluated: 2019-03-19. Review status: criteria provided, single submitter. Criteria: GeneDx Variant Classification Process June 2021. Collection method: clinical testing. Allele origin: germline. Affected: yes.

NM_001099922.3(ALG13):c.1813G>A (p.Gly605Ser)

Gene: ALG13 (ALG13 UDP-N-acetylglucosaminyltransferase subunit; plus strand). Cytogenetic location: Xq23.
Variant type: single nucleotide variant.
Coding change: c.1813G>A on transcript NM_001099922.3 (MANE Select); coding-DNA position 1813, G replaced by A.
Protein change: p.Gly605Ser; replaces glycine 605 with serine.
Molecular consequence: missense variant. On other transcripts: non-coding transcript variant (1).
Genome position (GRCh38, 1-based): chrX:111,726,892, G>A. VCF-style: chrX-111726892-G-A. GRCh37 (hg19) VCF-style: chrX-110970120-G-A.
Other names: c.1501G>A, p.Gly501Ser (NM_001257230.2, NM_001257234.2, NM_001257237.2); c.1579G>A, p.Gly527Ser (NM_001257231.2); c.1813G>A, p.Gly605Ser (NM_001324292.2); c.1327G>A, p.Gly443Ser (NM_001324293.1); short protein forms G605S, G443S, G501S, G527S.
Identifiers: ClinVar variation 384926 (VCV000384926.16), dbSNP rs773666398, ClinGen allele CA10493766.